The following is an entry in ClinVar:

NM_001127208.3(TET2):c.5058C>T (p.Ser1686=)

Genes: TET2 (tet methylcytosine dioxygenase 2; plus strand), TET2-AS1 (TET2 antisense RNA 1; minus strand). Cytogenetic location: 4q24.
Variant type: single nucleotide variant.
Coding change: c.5058C>T on transcript NM_001127208.3 (MANE Select); coding-DNA position 5058, C replaced by T.
Protein change: p.Ser1686=; no amino-acid change (serine 1686 retained).
Molecular consequence: synonymous variant.
Genome position (GRCh38, 1-based): chr4:105,275,568, C>T. VCF-style: chr4-105275568-C-T. GRCh37 (hg19) VCF-style: chr4-106196725-C-T.
Identifiers: ClinVar variation 2065670 (VCV002065670.28), dbSNP rs375150205, ClinGen allele CA3032245.

ClinVar aggregate classification (germline): Benign/Likely benign. Review status: criteria provided, multiple submitters, no conflicts (2 of 4 stars). 2 submissions from 2 submitters: Benign (1); Likely benign (1). Last evaluated 2025-12-22.

Allele frequency attached by ClinVar (database versions not stated): TOPMed 0.00006; gnomAD 0.00009; gnomAD exomes 0.00010; ExAC 0.00018; ESP Exome Variant Server 0.00044.
gnomAD v4.1: 158 of 1,551,666 alleles (0.01%); highest among the groups gnomAD compares: Middle Eastern, 0.05%; no homozygotes.

Submissions (2):

Labcorp Genetics (formerly Invitae), Labcorp
Classification: Benign. Last evaluated: 2025-12-22. Review status: criteria provided, single submitter. Criteria: Invitae Variant Classification Sherloc (09022015). Collection method: clinical testing. Allele origin: germline.

CeGaT Center for Human Genetics Tuebingen
Classification: Likely benign. Last evaluated: 2022-03-01. Review status: criteria provided, single submitter. Criteria: CeGaT Center For Human Genetics Tuebingen Variant Classification Criteria Version 2. Collection method: clinical testing. Allele origin: germline. Affected: yes. Observed: 1 variant allele.
Comment: TET2: BP4, BP7